The following is an entry in ClinVar:

NM_000059.4(BRCA2):c.6937+321T>C

Gene: BRCA2 (BRCA2 DNA repair associated; plus strand). Cytogenetic location: 13q13.1.
Variant type: single nucleotide variant.
Coding change: c.6937+321T>C on transcript NM_000059.4 (MANE Select); 321 bases into the intron after coding-DNA position 6937, T replaced by C.
Molecular consequence: intron variant.
Genome position (GRCh38, 1-based): chr13:32,344,974, T>C. VCF-style: chr13-32344974-T-C. GRCh37 (hg19) VCF-style: chr13-32919111-T-C.
Identifiers: ClinVar variation 264908 (VCV000264908.4), dbSNP rs143696527, ClinGen allele CA10588107.
Genomic context (GRCh38, chr13:32,344,974, plus strand): 5'-TCATTTGGAAGATATGAGTTCACTGAGTTATGCGGATCTTCCGAAAGTTGACAGTTTTAT[T>C]ATGCAGTATTAAACAATCACTTTCATTGATGCCATTACCGATCAGAAAAGTTTAAGTAGT-3'

ClinVar aggregate classification (germline): Benign. Review status: reviewed by expert panel (3 of 4 stars). 2 submissions from 2 submitters: Benign (1). 1 of the submissions does not count toward it. Last evaluated 2016-09-28.

Conditions:
Breast-ovarian cancer, familial, susceptibility to, 2 (BROVCA2). Also called: BRCA2 Hereditary Breast and Ovarian Cancer. Identifiers: Orphanet 145, MedGen C2675520, MONDO:0012933, OMIM 612555. Disease mechanism: loss of function.

Allele frequency attached by ClinVar (database versions not stated): gnomAD 0.00367 and 0.00394; TOPMed 0.00450; 1000 Genomes Project 0.00499; 1000 Genomes Project 30x 0.00500.
gnomAD v4.1: 550 of 152,248 alleles (0.36%); highest among the groups gnomAD compares: African/African-American, 1.3%; 1 homozygote.

Submissions (2):

Evidence-based Network for the Interpretation of Germline Mutant Alleles (ENIGMA)
Classification: Benign for Breast-ovarian cancer, familial, susceptibility to, 2. Last evaluated: 2016-09-28. Review status: reviewed by expert panel. Criteria: ENIGMA BRCA1/2 Classification Criteria (2015). Collection method: curation. Allele origin: germline.
Comment: Class 1 not pathogenic based on frequency >1% in an outbred sampleset. Frequency 0.0182 (African), derived from 1000 genomes (2013-05-02).

GeneDx
Classification: Likely benign. Last evaluated: 2019-03-09. Review status: criteria provided, single submitter. Criteria: GeneDx Variant Classification Process June 2021. Collection method: clinical testing. Allele origin: germline. Affected: yes. Not counted in ClinVar's aggregate classification.